The following is an entry in ClinVar:

NM_001365999.1(SZT2):c.10156-13G>A

Gene: SZT2 (SZT2 subunit of KICSTOR complex; plus strand). Cytogenetic location: 1p34.2.
Variant type: single nucleotide variant.
Coding change: c.10156-13G>A on transcript NM_001365999.1 (MANE Select); 13 bases into the intron before coding-DNA position 10156, G replaced by A.
Molecular consequence: intron variant.
Genome position (GRCh38, 1-based): chr1:43,450,324, G>A. VCF-style: chr1-43450324-G-A. GRCh37 (hg19) VCF-style: chr1-43915995-G-A.
Other names: c.9985-13G>A (NM_015284.4).
Identifiers: ClinVar variation 1212779 (VCV001212779.11), dbSNP rs554300793, ClinGen allele CA811121.
Genomic context (GRCh38, chr1:43,450,324, plus strand): 5'-CTTTCTGAGCCCTGCCTCCTATCCCCACCCATGCCCTCCTCTCACCAGTGCATCCCCACC[G>A]TGTTCCCCACAGTCTCTGACAGTGGTTTTCCGAGAGCCCTTCCCAGTACAGCCCCAGGAC-3'

ClinVar aggregate classification (germline): Conflicting classifications of pathogenicity. Review status: criteria provided, conflicting classifications (1 of 4 stars). 2 submissions from 2 submitters: Uncertain significance (1); Likely benign (1). Last evaluated 2025-12-08.

Allele frequency attached by ClinVar (database versions not stated): gnomAD 0.00004 and 0.00005; TOPMed 0.00006; ExAC 0.00015; gnomAD exomes 0.00018.
gnomAD v4.1: 121 of 1,613,798 alleles (0.0075%); highest among the groups gnomAD compares: East Asian, 0.062%; no homozygotes.

Submissions (2):

Labcorp Genetics (formerly Invitae), Labcorp
Classification: Likely benign. Last evaluated: 2025-12-08. Review status: criteria provided, single submitter. Criteria: Invitae Variant Classification Sherloc (09022015). Collection method: clinical testing. Allele origin: germline.

GeneDx
Classification: Uncertain significance. Last evaluated: 2019-08-20. Review status: criteria provided, single submitter. Criteria: GeneDx Variant Classification Process June 2021. Collection method: clinical testing. Allele origin: germline. Affected: yes.
Comment: Has not been previously published as pathogenic or benign to our knowledge; In-silico analysis, which includes splice predictors and evolutionary conservation, is inconclusive as to whether the variant alters gene splicing. In the absence of RNA/functional studies, the actual effect of this sequence change is unknown.